The following is an entry in ClinVar:

NM_001365088.1(SLC12A6):c.3032G>A (p.Arg1011Gln)

Gene: SLC12A6 (solute carrier family 12 member 6; minus strand). Cytogenetic location: 15q14.
Variant type: single nucleotide variant.
Coding change: c.3032G>A on transcript NM_001365088.1 (MANE Select); coding-DNA position 3032, G replaced by A.
Protein change: p.Arg1011Gln; replaces arginine 1011 with glutamine.
Molecular consequence: missense variant.
Genome position (GRCh38, 1-based): chr15:34,236,718, C>T on the plus strand (G>A on the coding strand, the complement: SLC12A6 is on the minus strand). VCF-style: chr15-34236718-C-T. GRCh37 (hg19) VCF-style: chr15-34528919-C-T.
Other names: c.3032G>A, p.Arg1011Gln (NM_133647.2); c.2855G>A, p.Arg952Gln (NM_001042494.2, NM_001042495.2); c.3005G>A, p.Arg1002Gln (NM_001042496.2); c.2987G>A, p.Arg996Gln (NM_001042497.2); c.2879G>A, p.Arg960Gln (NM_005135.2); short protein forms R1002Q, R1011Q, R952Q, R960Q, R996Q.
Identifiers: ClinVar variation 3615833 (VCV003615833.2).

ClinVar aggregate classification (germline): Uncertain significance (1 of 4 stars; one submission).

gnomAD v4.1: 14 of 1,576,844 alleles (0.00089%); highest among the groups gnomAD compares: Admixed American, 0.0017%; no homozygotes.

Submission:

Labcorp Genetics (formerly Invitae), Labcorp
Classification: Uncertain significance. Last evaluated: 2024-08-11. Review status: criteria provided, single submitter. Criteria: Invitae Variant Classification Sherloc (09022015). Collection method: clinical testing. Allele origin: germline.
Comment: This sequence change replaces arginine, which is basic and polar, with glutamine, which is neutral and polar, at codon 1011 of the SLC12A6 protein (p.Arg1011Gln). This variant is present in population databases (rs752363882, gnomAD 0.003%). This variant has not been reported in the literature in individuals affected with SLC12A6-related conditions. Advanced modeling of protein sequence and biophysical properties (such as structural, functional, and spatial information, amino acid conservation, physicochemical variation, residue mobility, and thermodynamic stability) performed at Invitae indicates that this missense variant is not expected to disrupt SLC12A6 protein function with a negative predictive value of 80%. In summary, the available evidence is currently insufficient to determine the role of this variant in disease. Therefore, it has been classified as a Variant of Uncertain Significance.